The following is an entry in ClinVar:

ClinVar aggregate classification (germline): Likely pathogenic (1 of 4 stars; one submission).

Conditions:
Joubert syndrome 21 (JBTS21). Identifiers: MedGen C3810212, MONDO:0014288, OMIM 615636.

Submission:

Juno Genomics, Hangzhou Juno Genomics, Inc
Classification: Likely pathogenic for Joubert syndrome 21. Review status: criteria provided, single submitter. Criteria: ACMG Guidelines, 2015. Collection method: clinical testing. Allele origin: germline.
Comment: Null variant in a gene where loss of function (LOF) is a known mechanism of disease.;Absent from controls (or at extremely low frequency if recessive) in Genome Aggregation Database.

NM_001382391.1(CSPP1):c.3216dup (p.Ile1073fs)

Genes: ARFGEF1 (ARF guanine nucleotide exchange factor 1; minus strand), CSPP1 (centrosome and spindle pole associated protein 1; plus strand). Cytogenetic location: 8q13.2.
Variant type: Duplication.
Coding change: c.3216dup on transcript NM_001382391.1 (MANE Select); coding-DNA position 3216, one base duplicated (T; older notation c.3216dupT).
Protein change: p.Ile1073fs; shifts the reading frame from isoleucine 1073.
Molecular consequence: frameshift variant. On other transcripts: intron variant (2).
Genome position (GRCh38, 1-based): chr8:67,179,922, T duplicated; the last of 4 consecutive T bases (chr8:67,179,919-67,179,922); duplicating any one gives the same sequence. VCF-style (leftmost placement, unchanged base first): chr8-67179918-C-CT. GRCh37 (hg19) VCF-style: chr8-68092153-C-CT.
Other names: c.3102dup, p.Ile1035fs (NM_001364870.1); c.3048dup, p.Ile1017fs (NM_001438330.1); c.3201dup, p.Ile1068fs (NM_001438331.1, NM_024790.7); c.2517dup, p.Ile840fs (NM_001438332.1); c.5368-4347dup (NM_001413186.1); c.2166dup, p.Ile723fs (NM_001291339.2); c.3135dup, p.Ile1046fs (NM_001363131.2); c.3021dup, p.Ile1008fs (NM_001363132.2); and 3 more; short protein forms I1046fs, I1068fs, I840fs, I723fs, I1008fs, I1017fs, I1035fs, I1073fs.
Identifiers: ClinVar variation 5007335 (VCV005007335.2).